The following is an entry in ClinVar:

NM_005654.6(NR2F1):c.220C>T (p.Pro74Ser)

Genes: NR2F1 (nuclear receptor subfamily 2 group F member 1; plus strand), NR2F1-AS1 (NR2F1 regulatory antisense RNA 1; minus strand). Cytogenetic location: 5q15.
Variant type: single nucleotide variant.
Coding change: c.220C>T on transcript NM_005654.6 (MANE Select); coding-DNA position 220, C replaced by T.
Protein change: p.Pro74Ser; replaces proline 74 with serine.
Molecular consequence: missense variant.
Genome position (GRCh38, 1-based): chr5:93,585,243, C>T. VCF-style: chr5-93585243-C-T. GRCh37 (hg19) VCF-style: chr5-92920949-C-T.
Other names: short protein forms P74S.
Identifiers: ClinVar variation 2984865 (VCV002984865.3), dbSNP rs2480801904, ClinGen allele CA360525780.

ClinVar aggregate classification (germline): Uncertain significance (1 of 4 stars; one submission).

Allele frequency attached by ClinVar (database versions not stated): gnomAD exomes below 0.00001.
gnomAD v4.1: 1 of 1,562,324 alleles (0.000064%); highest among the groups gnomAD compares: Non-Finnish European, 0.000087%; no homozygotes.

Submission:

Labcorp Genetics (formerly Invitae), Labcorp
Classification: Uncertain significance. Last evaluated: 2023-03-24. Review status: criteria provided, single submitter. Criteria: Invitae Variant Classification Sherloc (09022015). Collection method: clinical testing. Allele origin: germline.
Comment: This variant has not been reported in the literature in individuals affected with NR2F1-related conditions. This sequence change replaces proline, which is neutral and non-polar, with serine, which is neutral and polar, at codon 74 of the NR2F1 protein (p.Pro74Ser). This variant is not present in population databases (gnomAD no frequency). An algorithm developed to predict the effect of missense changes on protein structure and function (PolyPhen-2) suggests that this variant is likely to be tolerated. In summary, the available evidence is currently insufficient to determine the role of this variant in disease. Therefore, it has been classified as a Variant of Uncertain Significance.